The following is an entry in ClinVar:

ClinVar aggregate classification (germline): Uncertain significance (1 of 4 stars; one submission).

gnomAD v4.1: 1 of 1,614,116 alleles (0.000062%); highest among the groups gnomAD compares: South Asian, 0.0011%; no homozygotes.

Submission:

GeneDx
Classification: Uncertain significance. Last evaluated: 2023-04-12. Review status: criteria provided, single submitter. Criteria: GeneDx Variant Classification Process June 2021. Collection method: clinical testing. Allele origin: germline. Affected: yes.
Comment: In silico analysis supports that this missense variant has a deleterious effect on protein structure/function; Has not been previously published as pathogenic or benign to our knowledge

NM_004380.3(CREBBP):c.7195C>A (p.His2399Asn)

Gene: CREBBP (CREB binding protein; minus strand). Cytogenetic location: 16p13.3.
Variant type: single nucleotide variant.
Coding change: c.7195C>A on transcript NM_004380.3 (MANE Select); coding-DNA position 7195, C replaced by A.
Protein change: p.His2399Asn; replaces histidine 2399 with asparagine.
Molecular consequence: missense variant.
Genome position (GRCh38, 1-based): chr16:3,727,852, G>T on the plus strand (C>A on the coding strand, the complement: CREBBP is on the minus strand). VCF-style: chr16-3727852-G-T. GRCh37 (hg19) VCF-style: chr16-3777853-G-T.
Other names: c.7081C>A, p.His2361Asn (NM_001079846.1); short protein forms H2361N, H2399N.
Identifiers: ClinVar variation 2662465 (VCV002662465.1), dbSNP rs369215519, ClinGen allele CA7868937.